The following is an entry in ClinVar:

NM_032977.4(CASP10):c.413T>C (p.Leu138Pro)

Gene: CASP10 (caspase 10; plus strand). Cytogenetic location: 2q33.1.
Variant type: single nucleotide variant.
Coding change: c.413T>C on transcript NM_032977.4 (MANE Select); coding-DNA position 413, T replaced by C.
Protein change: p.Leu138Pro; replaces leucine 138 with proline.
Molecular consequence: missense variant.
Genome position (GRCh38, 1-based): chr2:201,187,771, T>C. VCF-style: chr2-201187771-T-C. GRCh37 (hg19) VCF-style: chr2-202052494-T-C.
Other names: c.413T>C, p.Leu138Pro (NM_001206542.2, NM_001230.5, NM_001306083.2 and 3 more transcripts); short protein forms L138P.
Identifiers: ClinVar variation 659317 (VCV000659317.11), dbSNP rs1340599595, ClinGen allele CA350278270.

ClinVar aggregate classification (germline): Uncertain significance (1 of 4 stars; one submission).

Conditions:
Autoimmune lymphoproliferative syndrome type 2A (ALPS2A). Also called: CASP10-Related Autoimmune Lymphoproliferative Syndrome; AUTOIMMUNE LYMPHOPROLIFERATIVE SYNDROME, TYPE IIA; Autoimmune lymphoproliferative syndrome type 2. Identifiers: Orphanet 3261, MedGen C1858968, MONDO:0011383, OMIM 603909.

Allele frequency attached by ClinVar (database versions not stated): gnomAD exomes below 0.00001.
gnomAD v4.1: 1 of 1,614,108 alleles (0.000062%); highest among the groups gnomAD compares: East Asian, 0.0022%; no homozygotes.

Submission:

Labcorp Genetics (formerly Invitae), Labcorp
Classification: Uncertain significance for Autoimmune lymphoproliferative syndrome type 2A. Last evaluated: 2020-03-06. Review status: criteria provided, single submitter. Criteria: Invitae Variant Classification Sherloc (09022015). Collection method: clinical testing. Allele origin: germline.
Comment: In summary, the available evidence is currently insufficient to determine the role of this variant in disease. Therefore, it has been classified as a Variant of Uncertain Significance. Algorithms developed to predict the effect of missense changes on protein structure and function are either unavailable or do not agree on the potential impact of this missense change (SIFT: "Deleterious"; PolyPhen-2: "Probably Damaging"; Align-GVGD: "Class C0"). This variant has not been reported in the literature in individuals with CASP10-related conditions. This variant is not present in population databases (ExAC no frequency). This sequence change replaces leucine with proline at codon 138 of the CASP10 protein (p.Leu138Pro). The leucine residue is moderately conserved and there is a moderate physicochemical difference between leucine and proline.